The following is an entry in ClinVar:

NM_000336.3(SCNN1B):c.511C>T (p.His171Tyr)

Gene: SCNN1B (sodium channel epithelial 1 subunit beta; plus strand). Cytogenetic location: 16p12.2.
Variant type: single nucleotide variant.
Coding change: c.511C>T on transcript NM_000336.3 (MANE Select); coding-DNA position 511, C replaced by T.
Protein change: p.His171Tyr; replaces histidine 171 with tyrosine.
Molecular consequence: missense variant.
Genome position (GRCh38, 1-based): chr16:23,353,000, C>T. VCF-style: chr16-23353000-C-T. GRCh37 (hg19) VCF-style: chr16-23364321-C-T.
Other names: c.511C>T, p.His171Tyr (NM_001410900.1); short protein forms H171Y.
Identifiers: ClinVar variation 2319223 (VCV002319223.26), dbSNP rs772164903, ClinGen allele CA7960161.
Genomic context (GRCh38, chr16:23,353,000, plus strand): 5'-GTCCTTATTGATGAACGGAACCCCCACCACCCCATGGTCCTTGATCTCTTTGGAGACAAC[C>T]ACAATGGCTTAACAAGCAGCTCAGCATCAGAAAAGATCTGTAATGCCCACGGGTGCAAAA-3'
Protein context (NP_000327.2, residues 161-181): PMVLDLFGDN[His171Tyr]NGLTSSSASE

ClinVar aggregate classification (germline): Uncertain significance. Review status: criteria provided, multiple submitters, no conflicts (2 of 4 stars). 2 submissions from 2 submitters: Uncertain significance (2). Last evaluated 2022-10-25.

Conditions:
Inborn genetic diseases. Identifiers: MedGen C0950123, MeSH D030342.

gnomAD v4.1: 61 of 1,614,022 alleles (0.0038%); highest among the groups gnomAD compares: Non-Finnish European, 0.0047%; no homozygotes.

Submissions (2):

Ambry Genetics
Classification: Uncertain significance for Inborn genetic diseases. Last evaluated: 2022-10-25. Review status: criteria provided, single submitter. Criteria: Ambry Variant Classification Scheme 2023. Collection method: clinical testing. Allele origin: germline.

CeGaT Center for Human Genetics Tuebingen
Classification: Uncertain significance. Last evaluated: 2022-10-01. Review status: criteria provided, single submitter. Criteria: CeGaT Center For Human Genetics Tuebingen Variant Classification Criteria Version 2. Collection method: clinical testing. Allele origin: germline. Affected: yes. Observed: 1 variant allele.
Comment: SCNN1B: PM2, BP4